The following is an entry in ClinVar:

NM_000327.4(ROM1):c.1003G>A (p.Glu335Lys)

Gene: ROM1 (retinal outer segment membrane protein 1; plus strand). Cytogenetic location: 11q12.3.
Variant type: single nucleotide variant.
Coding change: c.1003G>A on transcript NM_000327.4 (MANE Select); coding-DNA position 1003, G replaced by A.
Protein change: p.Glu335Lys; replaces glutamic acid 335 with lysine.
Molecular consequence: missense variant.
Genome position (GRCh38, 1-based): chr11:62,614,786, G>A. VCF-style: chr11-62614786-G-A. GRCh37 (hg19) VCF-style: chr11-62382258-G-A.
Other names: short protein forms E335K.
Identifiers: ClinVar variation 998485 (VCV000998485.8), dbSNP rs1942990063, ClinGen allele CA380973343.

ClinVar aggregate classification (germline): Uncertain significance (1 of 4 stars; one submission).

Allele frequency attached by ClinVar (database versions not stated): gnomAD 0.00001; TOPMed 0.00001.

Submission:

Labcorp Genetics (formerly Invitae), Labcorp
Classification: Uncertain significance. Last evaluated: 2025-11-10. Review status: criteria provided, single submitter. Criteria: Invitae Variant Classification Sherloc (09022015). Collection method: clinical testing. Allele origin: germline.
Comment: This sequence change replaces glutamic acid, which is acidic and polar, with lysine, which is basic and polar, at codon 335 of the ROM1 protein (p.Glu335Lys). This variant is not present in population databases (gnomAD no frequency). This variant has not been reported in the literature in individuals affected with ROM1-related conditions. ClinVar contains an entry for this variant (Variation ID: 998485). Invitae Evidence Modeling of protein sequence and biophysical properties (such as structural, functional, and spatial information, amino acid conservation, physicochemical variation, residue mobility, and thermodynamic stability) indicates that this missense variant is not expected to disrupt ROM1 protein function with a negative predictive value of 80%. In summary, the available evidence is currently insufficient to determine the role of this variant in disease. Therefore, it has been classified as a Variant of Uncertain Significance.